The following is an entry in ClinVar:

ClinVar aggregate classification (germline): Uncertain significance (1 of 4 stars; one submission).

Submission:

Labcorp Genetics (formerly Invitae), Labcorp
Classification: Uncertain significance. Last evaluated: 2025-03-04. Review status: criteria provided, single submitter. Criteria: Invitae Variant Classification Sherloc (09022015). Collection method: clinical testing. Allele origin: germline.
Comment: This sequence change replaces glycine, which is neutral and non-polar, with glutamic acid, which is acidic and polar, at codon 399 of the C1S protein (p.Gly399Glu). This variant is present in population databases (rs782094227, gnomAD 0.006%). This variant has not been reported in the literature in individuals affected with C1S-related conditions. An algorithm developed to predict the effect of missense changes on protein structure and function outputs the following: PolyPhen-2: "Benign". The glutamic acid amino acid residue is found in multiple mammalian species, which suggests that this missense change does not adversely affect protein function. In summary, the available evidence is currently insufficient to determine the role of this variant in disease. Therefore, it has been classified as a Variant of Uncertain Significance.

NM_001734.5(C1S):c.1196G>A (p.Gly399Glu)

Gene: C1S (complement C1s; plus strand). Cytogenetic location: 12p13.31.
Variant type: single nucleotide variant.
Coding change: c.1196G>A on transcript NM_001734.5 (MANE Select); coding-DNA position 1196, G replaced by A.
Protein change: p.Gly399Glu; replaces glycine 399 with glutamic acid.
Molecular consequence: missense variant.
Genome position (GRCh38, 1-based): chr12:7,068,456, G>A. VCF-style: chr12-7068456-G-A. GRCh37 (hg19) VCF-style: chr12-7175760-G-A.
Other names: c.695G>A, p.Gly232Glu (NM_001346850.2); c.1196G>A, p.Gly399Glu (NM_201442.4); short protein forms G232E, G399E.
Identifiers: ClinVar variation 4762351 (VCV004762351.1).
Genomic context (GRCh38, chr12:7,068,456, plus strand): 5'-GGGAATGGAAGAAGGAAGATGTGGTGGTGAGTGTGGCCTGTGTTCTCTGTGCTATTCCAG[G>A]GGAGTATCACTGTGCTGGTAACGGGAGCTGGGTGAATGAGGTGCTGGGCCCGGAGCTGCC-3'
Protein context (NP_001725.1, residues 389-409): PYYYMENGGG[Gly399Glu]EYHCAGNGSW